The following is an entry in ClinVar:

ClinVar aggregate classification (germline): Likely benign (1 of 4 stars; one submission).

gnomAD v4.1: 21 of 11,310 alleles (0.19%); highest among the groups gnomAD compares: Non-Finnish European, 0.33%; no homozygotes.

Submission:

CeGaT Center for Human Genetics Tuebingen
Classification: Likely benign. Last evaluated: 2026-02-01. Review status: criteria provided, single submitter. Criteria: CeGaT Center For Human Genetics Tuebingen Variant Classification Criteria Version 2. Collection method: clinical testing. Allele origin: germline. Affected: yes. Observed: 1 variant allele.
Comment: STOX1: BS1

NM_152709.5(STOX1):c.310+79G>C

Gene: STOX1 (storkhead box 1; plus strand). Cytogenetic location: 10q22.1.
Variant type: single nucleotide variant.
Coding change: c.310+79G>C on transcript NM_152709.5 (MANE Select); 79 bases into the intron after coding-DNA position 310, G replaced by C.
Molecular consequence: intron variant.
Genome position (GRCh38, 1-based): chr10:68,828,012, G>C. VCF-style: chr10-68828012-G-C. GRCh37 (hg19) VCF-style: chr10-70587769-G-C.
Other names: c.310+79G>C (NM_001130159.3, NM_001130160.3, NM_001130161.4).
Identifiers: ClinVar variation 4822018 (VCV004822018.4).